The following is an entry in ClinVar:

NM_003072.5(SMARCA4):c.3259A>G (p.Arg1087Gly)

Gene: SMARCA4 (SWI/SNF related BAF chromatin remodeling complex subunit ATPase 4; plus strand). Cytogenetic location: 19p13.2.
Variant type: single nucleotide variant.
Coding change: c.3259A>G on transcript NM_003072.5 (MANE Select); coding-DNA position 3259, A replaced by G.
Protein change: p.Arg1087Gly; replaces arginine 1087 with glycine.
Molecular consequence: missense variant. On other transcripts: non-coding transcript variant (1).
Genome position (GRCh38, 1-based): chr19:11,027,827, A>G. VCF-style: chr19-11027827-A-G. GRCh37 (hg19) VCF-style: chr19-11138503-A-G.
Other names: c.3259A>G, p.Arg1087Gly (NM_001128844.3, NM_001128845.2, NM_001128846.2 and 6 more transcripts); short protein forms R1087G.
Identifiers: ClinVar variation 2567145 (VCV002567145.2), dbSNP rs2515115082, ClinGen allele CA404061391.

ClinVar aggregate classification (germline): Uncertain significance (1 of 4 stars; one submission).

Conditions:
Hereditary cancer-predisposing syndrome. Also called: Hereditary neoplastic syndrome; Hereditary Cancer Syndrome; Neoplastic Syndromes, Hereditary; Tumor predisposition. Identifiers: Orphanet 140162, MedGen C0027672, MeSH D009386, MONDO:0015356.

Submission:

Ambry Genetics
Classification: Uncertain significance for Hereditary cancer-predisposing syndrome. Last evaluated: 2023-04-28. Review status: criteria provided, single submitter. Criteria: Ambry Variant Classification Scheme 2023. Collection method: clinical testing. Allele origin: germline.
Comment: The p.R1087G variant (also known as c.3259A>G), located in coding exon 23 of the SMARCA4 gene, results from an A to G substitution at nucleotide position 3259. The arginine at codon 1087 is replaced by glycine, an amino acid with dissimilar properties. Missense and in-frame variants in SMARCA4 are known to cause neurodevelopmental disorders; however, such associations with rhabdoid tumor predisposition syndrome including small cell carcinoma of the ovary-hypercalcemic type (SCCOHT) are exceedingly rare (Kosho T et al. Am J Med Genet C Semin Med Genet. 2014 Sep;166C(3):262-75; Jelinic P et al. Nat Genet. 2014 May;46(5):424-6). This amino acid position is highly conserved in available vertebrate species. In addition, this alteration is predicted to be deleterious by in silico analysis. Since supporting evidence is limited at this time, the clinical significance of this alteration remains unclear.